The following is an entry in ClinVar:

NM_000268.4(NF2):c.483del (p.Leu163fs)

Gene: NF2 (NF2, moesin-ezrin-radixin like (MERLIN) tumor suppressor; plus strand). Cytogenetic location: 22q12.2.
Variant type: Deletion.
Coding change: c.483del on transcript NM_000268.4 (MANE Select); coding-DNA position 483, one base deleted (A; older notation c.483delA).
Protein change: p.Leu163fs; shifts the reading frame from leucine 163.
Molecular consequence: frameshift variant. On other transcripts: non-coding transcript variant (1), intron variant (1).
Genome position (GRCh38, 1-based): chr22:29,654,692, A deleted. VCF-style (leftmost placement, unchanged base first): chr22-29654691-GA-G. GRCh37 (hg19) VCF-style: chr22-30050680-GA-G.
Other names: c.369delA, p.Leu125Trpfs (NM_001407053.1, NM_001407056.1); c.360delA, p.Leu122Trpfs (NM_001407054.1, NM_001407058.1, NM_001407062.1); c.357delA, p.Leu121Trpfs (NM_001407055.1); c.483delA, p.Leu163Trpfs (NM_001407057.1, NM_001407059.1, NM_001407060.1 and 1 more transcripts); c.234delA, p.Leu80Trpfs (NM_001407063.1, NM_001407064.1); c.-158delA (NM_001407065.1); c.252delA, p.Leu86Trpfs (NM_001407067.1); c.483del, p.Leu163fs (NM_016418.5, NM_181825.3, NM_181832.3); and 4 more; short protein forms L121fs, L122fs, L163fs, L80fs.
Identifiers: ClinVar variation 2024482 (VCV002024482.4), dbSNP rs2518545794, ClinGen allele CA2580099447.

ClinVar aggregate classification (germline): Pathogenic (1 of 4 stars; one submission).

Conditions:
Neurofibromatosis, type 2 (SWNV). Also called: NF2-Related Schwannomatosis; BILATERAL ACOUSTIC NEUROFIBROMATOSIS; SCHWANNOMATOSIS, VESTIBULAR. Identifiers: Orphanet 637, MedGen C0027832, MONDO:0007039, OMIM 101000. Disease mechanism: loss of function.

Submission:

Labcorp Genetics (formerly Invitae), Labcorp
Classification: Pathogenic for Neurofibromatosis, type 2. Last evaluated: 2021-12-02. Review status: criteria provided, single submitter. Criteria: Invitae Variant Classification Sherloc (09022015). Collection method: clinical testing. Allele origin: germline.
Comment: This sequence change creates a premature translational stop signal (p.Leu163Trpfs*11) in the NF2 gene. It is expected to result in an absent or disrupted protein product. Loss-of-function variants in NF2 are known to be pathogenic (PMID: 9643284, 16983642). This variant is not present in population databases (gnomAD no frequency). This variant has not been reported in the literature in individuals affected with NF2-related conditions. For these reasons, this variant has been classified as Pathogenic.

Literature cited by the submitters: PubMed 9643284; PubMed 16983642.